The following is an entry in ClinVar:

NM_019015.3(CHPF2):c.909C>T (p.Phe303=)

Gene: CHPF2 (chondroitin polymerizing factor 2; plus strand). Cytogenetic location: 7q36.1.
Variant type: single nucleotide variant.
Coding change: c.909C>T on transcript NM_019015.3 (MANE Select); coding-DNA position 909, C replaced by T.
Protein change: p.Phe303=; no amino-acid change (phenylalanine 303 retained).
Molecular consequence: synonymous variant. On other transcripts: non-coding transcript variant (1), intron variant (2).
Genome position (GRCh38, 1-based): chr7:151,236,488, C>T. VCF-style: chr7-151236488-C-T. GRCh37 (hg19) VCF-style: chr7-150933574-C-T.
Other names: c.885C>T, p.Phe295= (NM_001284295.2); c.696C>T, p.Phe232= (NM_001389652.1); c.828+876C>T (NM_001389651.1); c.615+876C>T (NM_001389653.1).
Identifiers: ClinVar variation 2658186 (VCV002658186.24), dbSNP rs150602051, ClinGen allele CA4574914.
Genomic context (GRCh38, chr7:151,236,488, plus strand): 5'-TGAACTGGCCAAAAATAGGGACCCTGAGAAGGAAGGGAGCTCGGCTTTCCTGAGTGCCTT[C>T]GCCGTGCACCCTGTCTCCGAAGGTACCCTCATGTACCGGCTCCACAAACGCTTCAGCGCT-3'
Protein context (NP_061888.1, residues 293-313): KEGSSAFLSA[Phe303=]AVHPVSEGTL

ClinVar aggregate classification (germline): Likely benign (1 of 4 stars; one submission).

Allele frequency attached by ClinVar (database versions not stated): 1000 Genomes Project 0.00060; 1000 Genomes Project 30x 0.00078; ESP Exome Variant Server 0.00500; ExAC 0.00646; gnomAD exomes 0.00720.

Submission:

CeGaT Center for Human Genetics Tuebingen
Classification: Likely benign. Last evaluated: 2022-08-01. Review status: criteria provided, single submitter. Criteria: CeGaT Center For Human Genetics Tuebingen Variant Classification Criteria Version 2. Collection method: clinical testing. Allele origin: germline. Affected: yes. Observed: 1 variant allele.
Comment: CHPF2: BP4, BP7